The following is an entry in ClinVar:

NM_001358351.3(SEMA6D):c.1017A>G (p.Val339=)

Gene: SEMA6D (semaphorin 6D; plus strand). Cytogenetic location: 15q21.1.
Variant type: single nucleotide variant.
Coding change: c.1017A>G on transcript NM_001358351.3 (MANE Select); coding-DNA position 1017, A replaced by G.
Protein change: p.Val339=; no amino-acid change (valine 339 retained).
Molecular consequence: synonymous variant.
Genome position (GRCh38, 1-based): chr15:47,764,225, A>G. VCF-style: chr15-47764225-A-G. GRCh37 (hg19) VCF-style: chr15-48056422-A-G.
Other names: c.1017A>G, p.Val339= (NM_001198999.2, NM_001358352.2, NM_020858.2 and 5 more transcripts).
Identifiers: ClinVar variation 3035913 (VCV003035913.2), dbSNP rs370414740, ClinGen allele CA7545168.
Genomic context (GRCh38, chr15:47,764,225, plus strand): 5'-CCTTTTCAGCATCCCTGGTTCTGCTGTCTGTGCATTTAGCATGGATGACATTGAAAAAGT[A>G]TTCAAAGGACGGTTTAAGGAACAGAAAACTCCAGATTCTGTTTGGACAGCAGTTCCCGAA-3'
Protein context (NP_001345280.1, residues 329-349): CAFSMDDIEK[Val339=]FKGRFKEQKT

ClinVar aggregate classification (germline): Likely benign (0 of 4 stars; one submission).

Conditions:
SEMA6D-related disorder. Also called: SEMA6D-related condition.

Allele frequency attached by ClinVar (database versions not stated): ExAC 0.00002; gnomAD exomes 0.00002; gnomAD 0.00005; ESP Exome Variant Server 0.00008; TOPMed 0.00009.
gnomAD v4.1: 32 of 1,613,732 alleles (0.002%); highest among the groups gnomAD compares: African/African-American, 0.04%; no homozygotes.

Submission:

PreventionGenetics, part of Exact Sciences
Classification: Likely benign for SEMA6D-related condition. Last evaluated: 2020-05-22. Review status: no assertion criteria provided. Collection method: clinical testing. Allele origin: germline.
Comment: This variant is classified as likely benign based on ACMG/AMP sequence variant interpretation guidelines (Richards et al. 2015 PMID: 25741868, with internal and published modifications).